The following is an entry in ClinVar:

NM_002332.3(LRP1):c.5310C>A (p.Asn1770Lys)

Gene: LRP1 (LDL receptor related protein 1; plus strand). Cytogenetic location: 12q13.3.
Variant type: single nucleotide variant.
Coding change: c.5310C>A on transcript NM_002332.3 (MANE Select); coding-DNA position 5310, C replaced by A.
Protein change: p.Asn1770Lys; replaces asparagine 1770 with lysine.
Molecular consequence: missense variant.
Genome position (GRCh38, 1-based): chr12:57,180,403, C>A. VCF-style: chr12-57180403-C-A. GRCh37 (hg19) VCF-style: chr12-57574186-C-A.
Other names: short protein forms N1770K.
Identifiers: ClinVar variation 2401435 (VCV002401435.3), dbSNP rs768323622, ClinGen allele CA385419847.

ClinVar aggregate classification (germline): Uncertain significance. Review status: criteria provided, multiple submitters, no conflicts (2 of 4 stars). 2 submissions from 2 submitters: Uncertain significance (2). Last evaluated 2026-08-06.

Conditions:
Keratosis pilaris atrophicans (KPA). Also called: Burnett Schwartz Berberian syndrome; ​Keratosis pilaris atrophicans. Identifiers: Orphanet 498, MedGen C0263428, MONDO:0018855, OMIM 604093.

Submissions (2):

OLLIN Analises Genomicas, OLLIN
Classification: Uncertain significance for Keratosis pilaris atrophicans. Last evaluated: 2026-08-06. Review status: criteria provided, single submitter. Criteria: ACMG Guidelines 2015 PMID 25741868. Collection method: clinical testing. Allele origin: germline.
Comment: This missense variant, located in exon 32 (of 89), is absent from gnomAD and has not been identified in the literature. However, it has been reported in ClinVar (accession VCV002401435.2). In silico analysis is inconclusive regarding the impact of this variant. This gene is constrained for missense variation. According to the currently available evidence, this variant has been classified as uncertain significance (PM2_P, PP2).

Ambry Genetics
Classification: Uncertain significance. Last evaluated: 2022-06-10. Review status: criteria provided, single submitter. Criteria: Ambry Variant Classification Scheme 2023. Collection method: clinical testing. Allele origin: germline.